The following is an entry in ClinVar:

NM_002439.5(MSH3):c.2838_2839dup (p.Lys947fs)

Gene: MSH3 (mutS homolog 3; plus strand). Cytogenetic location: 5q14.1.
Variant type: Microsatellite.
Coding change: c.2838_2839dup on transcript NM_002439.5 (MANE Select); coding-DNA positions 2838 to 2839, 2 bases duplicated (TA; older notation c.2838_2839dupTA).
Protein change: p.Lys947fs; shifts the reading frame from lysine 947.
Molecular consequence: frameshift variant.
Genome position (GRCh38, 1-based): chr5:80,854,154-80,854,155, TA duplicated; duplicating any 2 consecutive bases within chr5:80,854,147-80,854,155 gives the same sequence; the c. name uses the placement nearest the transcript's 3' end. VCF-style (leftmost placement, unchanged base first): chr5-80854146-A-AAT. GRCh37 (hg19) VCF-style: chr5-80149965-A-AAT.
Other names: short protein forms K947fs.
Identifiers: ClinVar variation 1796661 (VCV001796661.8), dbSNP rs2478771460, ClinGen allele CA2580613588.

ClinVar aggregate classification (germline): Pathogenic. Review status: criteria provided, multiple submitters, no conflicts (2 of 4 stars). 3 submissions from 3 submitters: Pathogenic (3). Last evaluated 2023-12-04.

Conditions:
Familial adenomatous polyposis 4 (FAP4). Also called: MSH3-related attenuated familial adenomatous polyposis. Identifiers: Orphanet 480536, MedGen C4310719, MONDO:0044300, OMIM 617100.
Hereditary cancer-predisposing syndrome. Also called: Tumor predisposition; Hereditary Cancer Syndrome; Neoplastic Syndromes, Hereditary; Hereditary neoplastic syndrome. Identifiers: Orphanet 140162, MedGen C0027672, MeSH D009386, MONDO:0015356.

Submissions (3):

Ambry Genetics
Classification: Pathogenic for Hereditary cancer-predisposing syndrome. Last evaluated: 2023-12-04. Review status: criteria provided, single submitter. Criteria: Ambry Variant Classification Scheme 2023. Collection method: clinical testing. Allele origin: germline.
Comment: The c.2838_2839dupTA pathogenic mutation, located in coding exon 21 of the MSH3 gene, results from a duplication of TA at nucleotide position 2838, causing a translational frameshift with a predicted alternate stop codon (p.K947Ifs*11). This alteration is expected to result in loss of function by premature protein truncation or nonsense-mediated mRNA decay. As such, this alteration is interpreted as a disease-causing mutation.

Myriad Genetics, Inc.
Classification: Pathogenic for Familial adenomatous polyposis 4. Last evaluated: 2023-08-31. Review status: criteria provided, single submitter. Criteria: Myriad Autosomal Dominant, Autosomal Recessive and X-Linked Classification Criteria (2023). Collection method: clinical testing. Allele origin: unknown.
Comment: This variant is considered pathogenic. This variant creates a frameshift predicted to result in premature protein truncation.

Labcorp Genetics (formerly Invitae), Labcorp
Classification: Pathogenic. Last evaluated: 2022-10-07. Review status: criteria provided, single submitter. Criteria: Invitae Variant Classification Sherloc (09022015). Collection method: clinical testing. Allele origin: germline.
Comment: For these reasons, this variant has been classified as Pathogenic. This variant has not been reported in the literature in individuals affected with MSH3-related conditions. This variant is not present in population databases (gnomAD no frequency). This sequence change creates a premature translational stop signal (p.Lys947Ilefs*11) in the MSH3 gene. It is expected to result in an absent or disrupted protein product. Loss-of-function variants in MSH3 are known to be pathogenic (PMID: 27476653).

Literature cited by the submitters: PubMed 27476653 (cited by Labcorp Genetics (formerly Invitae), Labcorp).